The following is an entry in ClinVar:

ClinVar aggregate classification (germline): Uncertain significance (1 of 4 stars; one submission).

Conditions:
POLD1-related polyposis and colorectal cancer syndrome (CRCS10). Also called: COLORECTAL CANCER, SUSCEPTIBILITY TO, ON CHROMOSOME 19q; Colorectal cancer 10; Colorectal cancer, susceptibility to, 10. Identifiers: Orphanet 220460, MedGen C2675481, MONDO:0012953, OMIM 612591.

Submission:

Labcorp Genetics (formerly Invitae), Labcorp
Classification: Uncertain significance for POLD1-related polyposis and colorectal cancer syndrome. Last evaluated: 2025-04-30. Review status: criteria provided, single submitter. Criteria: Invitae Variant Classification Sherloc (09022015). Collection method: clinical testing. Allele origin: germline.
Comment: This sequence change replaces lysine, which is basic and polar, with glutamine, which is neutral and polar, at codon 897 of the POLD1 protein (p.Lys897Gln). This variant is not present in population databases (gnomAD no frequency). This variant has not been reported in the literature in individuals affected with POLD1-related conditions. Invitae Evidence Modeling of protein sequence and biophysical properties (such as structural, functional, and spatial information, amino acid conservation, physicochemical variation, residue mobility, and thermodynamic stability) indicates that this missense variant is expected to disrupt POLD1 protein function with a positive predictive value of 80%. In summary, the available evidence is currently insufficient to determine the role of this variant in disease. Therefore, it has been classified as a Variant of Uncertain Significance.

NM_002691.4(POLD1):c.2689A>C (p.Lys897Gln)

Gene: POLD1 (DNA polymerase delta 1, catalytic subunit; plus strand). Cytogenetic location: 19q13.33.
Variant type: single nucleotide variant.
Coding change: c.2689A>C on transcript NM_002691.4 (MANE Select); coding-DNA position 2689, A replaced by C.
Protein change: p.Lys897Gln; replaces lysine 897 with glutamine.
Molecular consequence: missense variant. On other transcripts: non-coding transcript variant (1).
Genome position (GRCh38, 1-based): chr19:50,415,562, A>C. VCF-style: chr19-50415562-A-C. GRCh37 (hg19) VCF-style: chr19-50918819-A-C.
Other names: c.2617A>C, p.Lys873Gln (NM_001438210.1, NM_001438211.1); c.2689A>C, p.Lys897Gln (NM_001438212.1, NM_001438213.1, NM_001256849.1); c.2767A>C, p.Lys923Gln (NM_001308632.1); short protein forms K873Q, K923Q, K897Q.
Identifiers: ClinVar variation 4733772 (VCV004733772.1).